The following is an entry in ClinVar:

NM_018109.4(MTPAP):c.1426A>G (p.Ile476Val)

Gene: MTPAP (mitochondrial poly(A) polymerase; minus strand). Cytogenetic location: 10p11.23.
Variant type: single nucleotide variant.
Coding change: c.1426A>G on transcript NM_018109.4 (MANE Select); coding-DNA position 1426, A replaced by G.
Protein change: p.Ile476Val; replaces isoleucine 476 with valine.
Molecular consequence: missense variant.
Genome position (GRCh38, 1-based): chr10:30,313,932, T>C on the plus strand (A>G on the coding strand, the complement: MTPAP is on the minus strand). VCF-style: chr10-30313932-T-C. GRCh37 (hg19) VCF-style: chr10-30602861-T-C.
Other names: short protein forms I476V.
Identifiers: ClinVar variation 2149724 (VCV002149724.5), dbSNP rs777236242, ClinGen allele CA5458944.

ClinVar aggregate classification (germline): Uncertain significance. Review status: criteria provided, multiple submitters, no conflicts (2 of 4 stars). 2 submissions from 2 submitters: Uncertain significance (2). Last evaluated 2022-01-28.

Allele frequency attached by ClinVar (database versions not stated): ExAC 0.00001; gnomAD exomes 0.00002.
gnomAD v4.1: 27 of 1,613,942 alleles (0.0017%); highest among the groups gnomAD compares: Non-Finnish European, 0.0023%; no homozygotes.

Submissions (2):

Labcorp Genetics (formerly Invitae), Labcorp
Classification: Uncertain significance. Last evaluated: 2022-01-28. Review status: criteria provided, single submitter. Criteria: Invitae Variant Classification Sherloc (09022015). Collection method: clinical testing. Allele origin: germline.
Comment: This sequence change replaces isoleucine, which is neutral and non-polar, with valine, which is neutral and non-polar, at codon 476 of the MTPAP protein (p.Ile476Val). This variant is present in population databases (rs777236242, gnomAD 0.002%). This variant has not been reported in the literature in individuals affected with MTPAP-related conditions. Algorithms developed to predict the effect of missense changes on protein structure and function (SIFT, PolyPhen-2, Align-GVGD) all suggest that this variant is likely to be disruptive. In summary, the available evidence is currently insufficient to determine the role of this variant in disease. Therefore, it has been classified as a Variant of Uncertain Significance.

Blueprint Genetics
Classification: Uncertain significance. Last evaluated: 2019-07-31. Review status: criteria provided, single submitter. Criteria: ACMG Guidelines, 2015. Collection method: clinical testing. Allele origin: germline.